The following is an entry in ClinVar:

NM_006904.7(PRKDC):c.581A>C (p.Glu194Ala)

Gene: PRKDC (protein kinase, DNA-activated, catalytic subunit; minus strand). Cytogenetic location: 8q11.21.
Variant type: single nucleotide variant.
Coding change: c.581A>C on transcript NM_006904.7 (MANE Select); coding-DNA position 581, A replaced by C.
Protein change: p.Glu194Ala; replaces glutamic acid 194 with alanine.
Molecular consequence: missense variant.
Genome position (GRCh38, 1-based): chr8:47,953,847, T>G on the plus strand (A>C on the coding strand, the complement: PRKDC is on the minus strand). VCF-style: chr8-47953847-T-G. GRCh37 (hg19) VCF-style: chr8-48866407-T-G.
Other names: c.581A>C, p.Glu194Ala (NM_001081640.2); short protein forms E194A.
Identifiers: ClinVar variation 3425217 (VCV003425217.1).

ClinVar aggregate classification (germline): Uncertain significance (1 of 4 stars; one submission).

Submission:

Ambry Genetics
Classification: Uncertain significance. Last evaluated: 2024-08-15. Review status: criteria provided, single submitter. Criteria: Ambry Variant Classification Scheme 2023. Collection method: clinical testing. Allele origin: germline.
Comment: The p.E194A variant (also known as c.581A>C), located in coding exon 6 of the PRKDC gene, results from an A to C substitution at nucleotide position 581. The glutamic acid at codon 194 is replaced by alanine, an amino acid with dissimilar properties. This amino acid position is conserved. In addition, this alteration is predicted to be tolerated by in silico analysis. Based on the available evidence, the clinical significance of this variant remains unclear.